The following is an entry in ClinVar:

ClinVar aggregate classification (germline): Pathogenic. Review status: criteria provided, multiple submitters, no conflicts (2 of 4 stars). 2 submissions from 2 submitters: Pathogenic (2). Last evaluated 2025-01-07.

Conditions:
Inborn genetic diseases. Identifiers: MedGen C0950123, MeSH D030342.
Developmental and epileptic encephalopathy, 74. Also called: EPILEPTIC ENCEPHALOPATHY, EARLY INFANTILE, 74. Identifiers: MedGen C5193074, MONDO:0032725, OMIM 618396.

Submissions (2):

Women's Health and Genetics/Laboratory Corporation of America, LabCorp
Classification: Pathogenic for Developmental and epileptic encephalopathy, 74. Last evaluated: 2025-01-07. Review status: criteria provided, single submitter. Criteria: LabCorp Variant Classification Summary - May 2015. Collection method: clinical testing. Allele origin: germline.
Comment: Variant summary: GABRG2 c.1012A>T (p.Lys338X) results in a premature termination codon, predicted to cause a truncation of the encoded protein or absence of the protein due to nonsense mediated decay, which are commonly known mechanisms for disease. The variant was absent in 251436 control chromosomes. To our knowledge, no occurrence of c.1012A>T in individuals affected with Developmental And Epileptic Encephalopathy, 74 and no experimental evidence demonstrating its impact on protein function have been reported. ClinVar contains an entry for this variant (Variation ID: 3280411). Based on the evidence outlined above, the variant was classified as pathogenic.

Ambry Genetics
Classification: Pathogenic for Inborn genetic diseases. Last evaluated: 2024-04-22. Review status: criteria provided, single submitter. Criteria: Ambry Variant Classification Scheme 2023. Collection method: clinical testing. Allele origin: germline.
Comment: The c.892A>T (p.K298*) alteration, located in exon 7 (coding exon 7) of the GABRG2 gene, consists of a A to T substitution at nucleotide position 892. This changes the amino acid from a lysine (K) to a stop codon at amino acid position 298. This alteration is expected to result in loss of function by premature protein truncation or nonsense-mediated mRNA decay. This variant was not reported in population-based cohorts in the Genome Aggregation Database (gnomAD). Based on the available evidence, this alteration is classified as pathogenic.

NM_198904.4(GABRG2):c.892A>T (p.Lys298Ter)

Gene: GABRG2 (gamma-aminobutyric acid type A receptor subunit gamma2; plus strand). Cytogenetic location: 5q34.
Variant type: single nucleotide variant.
Coding change: c.892A>T on transcript NM_198904.4 (MANE Select); coding-DNA position 892, A replaced by T.
Protein change: p.Lys298Ter; replaces lysine 298 with a stop codon.
Molecular consequence: nonsense.
Genome position (GRCh38, 1-based): chr5:162,142,286, A>T. VCF-style: chr5-162142286-A-T. GRCh37 (hg19) VCF-style: chr5-161569292-A-T.
Other names: c.892A>T, p.Lys298Ter (NM_000816.3, NM_001375340.1); c.883A>T, p.Lys295Ter (NM_001375339.1); c.889A>T, p.Lys297Ter (NM_001375341.1, NM_001375342.1); c.1012A>T, p.Lys338Ter (NM_001375343.1, NM_198903.2); c.931A>T, p.Lys311Ter (NM_001375344.1); c.826A>T, p.Lys276Ter (NM_001375345.1, NM_001375346.1); c.805A>T, p.Lys269Ter (NM_001375347.1); c.472A>T, p.Lys158Ter (NM_001375348.1, NM_001375350.1); and 1 more; short protein forms K158*, K276*, K297*, K298*, K269*, K295*, K311*, K338*.
Identifiers: ClinVar variation 3280411 (VCV003280411.3).